The following is an entry in ClinVar:

ClinVar aggregate classification (germline): Pathogenic (1 of 4 stars; one submission).

Conditions:
Developmental and epileptic encephalopathy, 9 (DEE9). Also called: Early infantile epileptic encephalopathy 9; EPILEPSY, FEMALE-RESTRICTED, WITH MENTAL RETARDATION; JUBERG-HELLMAN SYNDROME; PCDH19-Related X-Linked Female-Limited Epilepsy with Mental Retardation. Identifiers: Orphanet 101039, Orphanet 2076, MedGen C1848137, MONDO:0010246, OMIM 300088. Disease mechanism: loss of function.

Submission:

Labcorp Genetics (formerly Invitae), Labcorp
Classification: Pathogenic for Developmental and epileptic encephalopathy, 9. Last evaluated: 2023-06-27. Review status: criteria provided, single submitter. Criteria: Invitae Variant Classification Sherloc (09022015). Collection method: clinical testing. Allele origin: germline.
Comment: For these reasons, this variant has been classified as Pathogenic. This premature translational stop signal has been observed in individual(s) with focal epilepsy (PMID: 28102150). This variant is not present in population databases (gnomAD no frequency). This sequence change creates a premature translational stop signal (p.Leu380Argfs*22) in the PCDH19 gene. It is expected to result in an absent or disrupted protein product. Loss-of-function variants in PCDH19 are known to be pathogenic (PMID: 21053371).

Literature cited by the submitters: PubMed 28102150; PubMed 21053371.

NM_001184880.2(PCDH19):c.1134_1137dup (p.Leu380fs)

Gene: PCDH19 (protocadherin 19; minus strand). Cytogenetic location: Xq22.1.
Variant type: Duplication.
Coding change: c.1134_1137dup on transcript NM_001184880.2 (MANE Select); coding-DNA positions 1134 to 1137, 4 bases duplicated (AGGC; older notation c.1134_1137dupAGGC).
Protein change: p.Leu380fs; shifts the reading frame from leucine 380.
Molecular consequence: frameshift variant.
Genome position (GRCh38, 1-based): chrX:100,407,461-100,407,464, GCCT duplicated on the plus strand (AGGC on the coding strand, the reverse complement: PCDH19 is on the minus strand); duplicating any 4 consecutive bases within chrX:100,407,461-100,407,465 gives the same sequence; the c. name uses the placement nearest the transcript's 3' end. VCF-style (leftmost placement, unchanged base first): chrX-100407460-G-GGCCT. GRCh37 (hg19) VCF-style: chrX-99662458-G-GGCCT.
Other names: c.1134_1137dup, p.Leu380fs (NM_001105243.2, NM_020766.3); short protein forms L380fs.
Identifiers: ClinVar variation 2737277 (VCV002737277.3), dbSNP rs2520985398, ClinGen allele CA2695234717.
Genomic context (GRCh38, chrX:100,407,460, plus strand): 5'-CATATTCCTGCAGTCGAAAGGGCACATTGCCCAGCAAACGGCACTGCACACGTCCATTGA[G>GGCCT]GCCTGAGTCGCGATCAGACACCCGCACCAAGGCGATCACGTAGCCCGGGGGGGCGCTCTC-3'